The following is an entry in ClinVar:

NM_024854.5(PYROXD1):c.881-18G>A

Gene: PYROXD1 (pyridine nucleotide-disulphide oxidoreductase domain 1; plus strand). Cytogenetic location: 12p12.1.
Variant type: single nucleotide variant.
Coding change: c.881-18G>A on transcript NM_024854.5 (MANE Select); 18 bases into the intron before coding-DNA position 881, G replaced by A.
Molecular consequence: intron variant.
Genome position (GRCh38, 1-based): chr12:21,461,990, G>A. VCF-style: chr12-21461990-G-A. GRCh37 (hg19) VCF-style: chr12-21614924-G-A.
Other names: c.104-18G>A (NM_001350913.2); c.668-18G>A (NM_001350912.2).
Identifiers: ClinVar variation 3699673 (VCV003699673.1).
Genomic context (GRCh38, chr12:21,461,990, plus strand): 5'-ATTGTAGTCACATACACTGCTGTGGTGATGGTTCCATTTACAAATAAAGTCTGTTTTTTT[G>A]GTTTTTTTTTCTTAAAGAGATGTGGCCTGTCTATGTGGAATTGACCAATGAAAAGATATA-3'

ClinVar aggregate classification (germline): Uncertain significance (1 of 4 stars; one submission).

Submission:

Labcorp Genetics (formerly Invitae), Labcorp
Classification: Uncertain significance. Last evaluated: 2024-05-02. Review status: criteria provided, single submitter. Criteria: Invitae Variant Classification Sherloc (09022015). Collection method: clinical testing. Allele origin: germline.
Comment: This sequence change falls in intron 8 of the PYROXD1 gene. It does not directly change the encoded amino acid sequence of the PYROXD1 protein. This variant is not present in population databases (gnomAD no frequency). This variant has not been reported in the literature in individuals affected with PYROXD1-related conditions. Algorithms developed to predict the effect of sequence changes on RNA splicing suggest that this variant may disrupt the consensus splice site. In summary, the available evidence is currently insufficient to determine the role of this variant in disease. Therefore, it has been classified as a Variant of Uncertain Significance.